The following is an entry in ClinVar:

NM_001378454.1(ALMS1):c.10490G>C (p.Cys3497Ser)

Gene: ALMS1 (ALMS1 centrosome and basal body associated protein; plus strand). Cytogenetic location: 2p13.1.
Variant type: single nucleotide variant.
Coding change: c.10490G>C on transcript NM_001378454.1 (MANE Select); coding-DNA position 10490, G replaced by C.
Protein change: p.Cys3497Ser; replaces cysteine 3497 with serine.
Molecular consequence: missense variant.
Genome position (GRCh38, 1-based): chr2:73,572,367, G>C. VCF-style: chr2-73572367-G-C. GRCh37 (hg19) VCF-style: chr2-73799494-G-C.
Other names: c.10493G>C, p.Cys3498Ser (NM_015120.4); short protein forms C3498S, C3497S.
Identifiers: ClinVar variation 2197374 (VCV002197374.4), dbSNP rs2466443237, ClinGen allele CA347283183.
Genomic context (GRCh38, chr2:73,572,367, plus strand): 5'-TCAGGTCAGCAAAGTTTTACATTCATCATCCCGTACACCTACCAAGTGATCAAGATATTT[G>C]CCATGAATCTTTGGGAAAGAGTGTTTTCATGAGACATTCTTGGAAAGATTTCTTTCAGCA-3'
Protein context (NP_001365383.1, residues 3487-3507): PVHLPSDQDI[Cys3497Ser]HESLGKSVFM

ClinVar aggregate classification (germline): Uncertain significance (1 of 4 stars; one submission).

Conditions:
Alstrom syndrome (ALMS). Identifiers: Orphanet 64, MedGen C0268425, MONDO:0008763, OMIM 203800.

gnomAD v4.1: 3 of 1,609,076 alleles (0.00019%); highest among the groups gnomAD compares: Non-Finnish European, 0.00025%; no homozygotes.

Submission:

Labcorp Genetics (formerly Invitae), Labcorp
Classification: Uncertain significance for Alstrom syndrome. Last evaluated: 2022-08-22. Review status: criteria provided, single submitter. Criteria: Invitae Variant Classification Sherloc (09022015). Collection method: clinical testing. Allele origin: germline.
Comment: Experimental studies and prediction algorithms are not available or were not evaluated, and the functional significance of this variant is currently unknown. This variant has not been reported in the literature in individuals affected with ALMS1-related conditions. This variant is not present in population databases (gnomAD no frequency). This sequence change replaces cysteine, which is neutral and slightly polar, with serine, which is neutral and polar, at codon 3498 of the ALMS1 protein (p.Cys3498Ser). In summary, the available evidence is currently insufficient to determine the role of this variant in disease. Therefore, it has been classified as a Variant of Uncertain Significance.